The following is an entry in ClinVar:

ClinVar aggregate classification (germline): Uncertain significance (1 of 4 stars; one submission).

Conditions:
Inborn genetic diseases. Identifiers: MedGen C0950123, MeSH D030342.

Allele frequency attached by ClinVar (database versions not stated): gnomAD exomes below 0.00001.
gnomAD v4.1: 1 of 1,613,012 alleles (0.000062%); highest among the groups gnomAD compares: Non-Finnish European, 0.000085%; no homozygotes.

Submission:

Ambry Genetics
Classification: Uncertain significance for Inborn genetic diseases. Last evaluated: 2022-07-11. Review status: criteria provided, single submitter. Criteria: Ambry Variant Classification Scheme 2023. Collection method: clinical testing. Allele origin: germline.
Comment: The p.E2196G variant (also known as c.6587A>G), located in coding exon 39 of the ATR gene, results from an A to G substitution at nucleotide position 6587. The glutamic acid at codon 2196 is replaced by glycine, an amino acid with similar properties. This amino acid position is conserved. In addition, the in silico prediction for this alteration is inconclusive. Since supporting evidence is limited at this time, the clinical significance of this alteration remains unclear.

NM_001184.4(ATR):c.6587A>G (p.Glu2196Gly)

Gene: ATR (ATR checkpoint kinase; minus strand). Cytogenetic location: 3q23.
Variant type: single nucleotide variant.
Coding change: c.6587A>G on transcript NM_001184.4 (MANE Select); coding-DNA position 6587, A replaced by G.
Protein change: p.Glu2196Gly; replaces glutamic acid 2196 with glycine.
Molecular consequence: missense variant.
Genome position (GRCh38, 1-based): chr3:142,468,034, T>C on the plus strand (A>G on the coding strand, the complement: ATR is on the minus strand). VCF-style: chr3-142468034-T-C. GRCh37 (hg19) VCF-style: chr3-142186876-T-C.
Other names: c.6395A>G, p.Glu2132Gly (NM_001354579.2); short protein forms E2196G, E2132G.
Identifiers: ClinVar variation 1754328 (VCV001754328.2), dbSNP rs2473065182, ClinGen allele CA354803713.